The following is an entry in ClinVar:

NM_000548.5(TSC2):c.696G>A (p.Pro232=)

Gene: TSC2 (TSC complex subunit 2; plus strand). Cytogenetic location: 16p13.3.
Variant type: single nucleotide variant.
Coding change: c.696G>A on transcript NM_000548.5 (MANE Select); coding-DNA position 696, G replaced by A.
Protein change: p.Pro232=; no amino-acid change (proline 232 retained).
Molecular consequence: synonymous variant.
Genome position (GRCh38, 1-based): chr16:2,056,691, G>A. VCF-style: chr16-2056691-G-A. GRCh37 (hg19) VCF-style: chr16-2106692-G-A.
Other names: c.696G>A (NM_000548.4); c.696G>A, p.Pro232= (NM_001077183.3, NM_001114382.3, NM_001363528.2 and 3 more transcripts); c.585G>A, p.Pro195= (NM_001318827.2); c.549G>A, p.Pro183= (NM_001318829.2); c.96G>A, p.Pro32= (NM_001318831.2); c.729G>A, p.Pro243= (NM_001318832.2).
Identifiers: ClinVar variation 405990 (VCV000405990.26), dbSNP rs539797467, ClinGen allele CA056169.

ClinVar aggregate classification (germline): Benign/Likely benign. Review status: criteria provided, multiple submitters, no conflicts (2 of 4 stars). 9 submissions from 9 submitters: Benign (3); Likely benign (5). 1 of the submissions does not count toward it. Last evaluated 2025-10-19.

Conditions:
TSC2-related disorder. Also called: TSC2-Related Disorders; TSC2-related condition.
Hereditary cancer-predisposing syndrome. Also called: Tumor predisposition; Neoplastic Syndromes, Hereditary; Hereditary Cancer Syndrome; Hereditary neoplastic syndrome. Identifiers: Orphanet 140162, MedGen C0027672, MeSH D009386, MONDO:0015356.
Tuberous sclerosis syndrome (TSC). Also called: Tuberous Sclerosis Complex; Tuberous sclerosis. Identifiers: Orphanet 805, MedGen C0041341, MONDO:0001734.
Tuberous sclerosis 2 (TSC2). Identifiers: Orphanet 805, MedGen C1860707, MONDO:0013199, OMIM 613254.

Allele frequency attached by ClinVar (database versions not stated): ExAC 0.00001; gnomAD 0.00001; TOPMed 0.00001; gnomAD exomes 0.00002 and 0.00003.
gnomAD v4.1: 48 of 1,612,502 alleles (0.003%); highest among the groups gnomAD compares: Middle Eastern, 0.017%; no homozygotes.

Submissions (9):

Labcorp Genetics (formerly Invitae), Labcorp
Classification: Benign for Tuberous sclerosis 2. Last evaluated: 2025-10-19. Review status: criteria provided, single submitter. Criteria: Invitae Variant Classification Sherloc (09022015). Collection method: clinical testing. Allele origin: germline.

Myriad Genetics, Inc.
Classification: Benign for Tuberous sclerosis 2. Last evaluated: 2025-05-09. Review status: criteria provided, single submitter. Criteria: Myriad Autosomal Dominant, Autosomal Recessive and X-Linked Classification Criteria (2023). Collection method: clinical testing. Allele origin: unknown.
Comment: This variant is considered benign. This variant is a silent/synonymous amino acid change and it is not expected to impact splicing.

All of Us Research Program, National Institutes of Health
Classification: Likely benign for Tuberous sclerosis syndrome. Last evaluated: 2023-12-18. Review status: criteria provided, single submitter. Criteria: ACMG Guidelines, 2015. Collection method: clinical testing. Allele origin: germline. Inheritance: Autosomal dominant inheritance. Observed: 6 variant alleles, 6 heterozygotes.
Comment: This study involves interpretation of variants in research participants for the purpose of population health screening. Participant phenotype was not available at the time of variant classification. Additional details can be found in publication PMID: 35346344, PMCID: PMC8962531

Color Diagnostics, LLC DBA Color Health
Classification: Likely benign for Tuberous sclerosis syndrome. Last evaluated: 2022-09-13. Review status: criteria provided, single submitter. Criteria: ACMG Guidelines, 2015. Collection method: clinical testing. Allele origin: germline.

Genome-Nilou Lab
Classification: Benign for Tuberous sclerosis 2. Last evaluated: 2021-11-07. Review status: criteria provided, single submitter. Criteria: ACMG Guidelines, 2015. Collection method: clinical testing. Allele origin: germline. Affected: no.

GeneDx
Classification: Likely benign. Last evaluated: 2021-11-02. Review status: criteria provided, single submitter. Criteria: GeneDx Variant Classification Process June 2021. Collection method: clinical testing. Allele origin: germline. Affected: yes.

Ambry Genetics
Classification: Likely benign for Hereditary cancer-predisposing syndrome. Last evaluated: 2015-09-16. Review status: criteria provided, single submitter. Criteria: Ambry Variant Classification Scheme 2023. Collection method: clinical testing. Allele origin: germline.

Breakthrough Genomics
Classification: Likely benign. Review status: criteria provided, single submitter. Criteria: ACMG Guidelines, 2015. Collection method: not provided. Allele origin: germline. Inheritance: Autosomal dominant inheritance. Affected: yes.

PreventionGenetics, part of Exact Sciences
Classification: Likely benign for TSC2-related condition. Last evaluated: 2024-06-04. Review status: no assertion criteria provided. Collection method: clinical testing. Allele origin: germline. Not counted in ClinVar's aggregate classification.
Comment: This variant is classified as likely benign based on ACMG/AMP sequence variant interpretation guidelines (Richards et al. 2015 PMID: 25741868, with internal and published modifications).